The following is an entry in ClinVar:

NC_000011.9:g.(?_118007742)_(118023388_?)dup

Gene: SCN4B (sodium voltage-gated channel beta subunit 4; minus strand). Cytogenetic location: 11q23.3.
Variant type: Duplication.
Identifiers: ClinVar variation 3244659 (VCV003244659.1).

ClinVar aggregate classification (germline): Uncertain significance (1 of 4 stars; one submission).

Conditions:
Long QT syndrome 10 (LQT10). Identifiers: Orphanet 101016, Orphanet 768, MedGen C2678484, MONDO:0012737, OMIM 611819.

Submission:

Labcorp Genetics (formerly Invitae), Labcorp
Classification: Uncertain significance for Long QT syndrome 10. Last evaluated: 2023-07-19. Review status: criteria provided, single submitter. Criteria: Invitae Variant Classification Sherloc (09022015). Collection method: clinical testing. Allele origin: unknown.
Comment: This variant has not been reported in the literature in individuals affected with SCN4B-related conditions. In summary, the available evidence is currently insufficient to determine the role of this variant in disease. Therefore, it has been classified as a Variant of Uncertain Significance. A copy number gain of the genomic region encompassing the full coding sequence of the SCN4B gene has been identified. The boundaries of this event are unknown as they extend beyond the assayed region for this gene and therefore may encompass additional genes. As the precise location of this event is unknown, it may be in tandem or it may be located elsewhere in the genome.